The following is an entry in ClinVar:

ClinVar aggregate classification (germline): Pathogenic (1 of 4 stars; one submission).

Conditions:
Baller-Gerold syndrome (BGS). Also called: CRANIOSYNOSTOSIS WITH RADIAL DEFECTS. Identifiers: Orphanet 1225, MedGen C0265308, MONDO:0009039, OMIM 218600.

Submission:

Labcorp Genetics (formerly Invitae), Labcorp
Classification: Pathogenic for Baller-Gerold syndrome. Last evaluated: 2023-09-18. Review status: criteria provided, single submitter. Criteria: Invitae Variant Classification Sherloc (09022015). Collection method: clinical testing. Allele origin: germline.
Comment: This sequence change creates a premature translational stop signal (p.Cys311Glnfs*12) in the RECQL4 gene. It is expected to result in an absent or disrupted protein product. Loss-of-function variants in RECQL4 are known to be pathogenic (PMID: 12734318, 12952869). This variant is not present in population databases (gnomAD no frequency). This variant has not been reported in the literature in individuals affected with RECQL4-related conditions. ClinVar contains an entry for this variant (Variation ID: 2041409). For these reasons, this variant has been classified as Pathogenic.

Literature cited by the submitters: PubMed 12734318; PubMed 12952869.

NM_004260.4(RECQL4):c.931_950del (p.Cys311fs)

Gene: RECQL4 (RecQ like helicase 4; minus strand). Cytogenetic location: 8q24.3.
Variant type: Deletion.
Coding change: c.931_950del on transcript NM_004260.4 (MANE Select); coding-DNA positions 931 to 950, 20 bases deleted (TGCAGCAGCCCATCGAACCC).
Protein change: p.Cys311fs; shifts the reading frame from cysteine 311.
Molecular consequence: frameshift variant.
Genome position (GRCh38, 1-based): chr8:144,516,169-144,516,188, GGGTTCGATGGGCTGCTGCA deleted on the plus strand (TGCAGCAGCCCATCGAACCC on the coding strand, the reverse complement: RECQL4 is on the minus strand); deleting any 20 consecutive bases within chr8:144,516,169-144,516,191 gives the same sequence; the c. name uses the placement nearest the transcript's 3' end. VCF-style (leftmost placement, unchanged base first): chr8-144516168-GGGGTTCGATGGGCTGCTGCA-G. GRCh37 (hg19) VCF-style: chr8-145741552-GGGGTTCGATGGGCTGCTGCA-G.
Other names: c.928_947del20, p.Cys311Glnfs (NM_001413017.1, NM_001413018.1, NM_001413019.1 and 4 more transcripts); c.-144_-125del20 (NM_001413021.1, NM_001413022.1, NM_001413023.1 and 7 more transcripts); c.799_818del20, p.Cys268Glnfs (NM_001413025.1); c.-206_-187del20 (NM_001413027.1, NM_001413030.1, NM_001413031.1 and 2 more transcripts); c.577_596del20, p.Cys194Glnfs (NM_001413029.1); c.-48_-29del20 (NM_001413034.1); c.-413_-394del20 (NM_001413043.1); short protein forms C311fs.
Identifiers: ClinVar variation 2041409 (VCV002041409.4), dbSNP rs1814928114, ClinGen allele CA1120282030.
Genomic context (GRCh38, chr8:144,516,168, plus strand): 5'-GGCTGTGCCCTCAGCCTTCCCAGCCCTAGCTTGACTGGAGGGGCTGAGTCCGTGGTACCT[GGGGTTCGATGGGCTGCTGCA>G]GGGCTGAGGTGGCTGTGCCTGTACAGGTTCCCCTGGAGGGTCTTCCTCAACTGCTACAGC-3'